The following is an entry in ClinVar:

ClinVar aggregate classification (germline): Uncertain significance (1 of 4 stars; one submission).

Conditions:
Charcot-Marie-Tooth disease axonal type 2O. Also called: Charcot-Marie-Tooth Neuropathy Type 2O; Charcot-Marie-Tooth disease, axonal, type 20; CHARCOT-MARIE-TOOTH NEUROPATHY, AXONAL, TYPE 2O; CHARCOT-MARIE-TOOTH DISEASE, AXONAL, AUTOSOMAL DOMINANT, TYPE 2O. Identifiers: Orphanet 284232, MedGen C3280220, MONDO:0013644, OMIM 614228.

Submission:

Labcorp Genetics (formerly Invitae), Labcorp
Classification: Uncertain significance for Charcot-Marie-Tooth disease axonal type 2O. Last evaluated: 2024-04-08. Review status: criteria provided, single submitter. Criteria: Invitae Variant Classification Sherloc (09022015). Collection method: clinical testing. Allele origin: germline.
Comment: This sequence change replaces aspartic acid, which is acidic and polar, with asparagine, which is neutral and polar, at codon 3946 of the DYNC1H1 protein (p.Asp3946Asn). This variant is not present in population databases (gnomAD no frequency). This variant has not been reported in the literature in individuals affected with DYNC1H1-related conditions. ClinVar contains an entry for this variant (Variation ID: 1371255). Advanced modeling of protein sequence and biophysical properties (such as structural, functional, and spatial information, amino acid conservation, physicochemical variation, residue mobility, and thermodynamic stability) performed at Invitae indicates that this missense variant is not expected to disrupt DYNC1H1 protein function with a negative predictive value of 95%. In summary, the available evidence is currently insufficient to determine the role of this variant in disease. Therefore, it has been classified as a Variant of Uncertain Significance.

NM_001376.5(DYNC1H1):c.11836G>A (p.Asp3946Asn)

Gene: DYNC1H1 (dynein cytoplasmic 1 heavy chain 1; plus strand). Cytogenetic location: 14q32.31.
Variant type: single nucleotide variant.
Coding change: c.11836G>A on transcript NM_001376.5 (MANE Select); coding-DNA position 11836, G replaced by A.
Protein change: p.Asp3946Asn; replaces aspartic acid 3946 with asparagine.
Molecular consequence: missense variant.
Genome position (GRCh38, 1-based): chr14:102,040,381, G>A. VCF-style: chr14-102040381-G-A. GRCh37 (hg19) VCF-style: chr14-102506718-G-A.
Other names: short protein forms D3946N.
Identifiers: ClinVar variation 1371255 (VCV001371255.6), dbSNP rs2152595704, ClinGen allele CA391037028.